The following is an entry in ClinVar:

NM_001035.3(RYR2):c.4437-3_4437del

Gene: RYR2 (ryanodine receptor 2; plus strand). Cytogenetic location: 1q43.
Variant type: Deletion.
Coding change: c.4437-3_4437del on transcript NM_001035.3 (MANE Select); 3 bases into the intron before coding-DNA position 4437 through coding-DNA position 4437, 4 bases deleted (CAGC; older notation c.4437-3_4437delCAGC).
Molecular consequence: splice acceptor variant.
Genome position (GRCh38, 1-based): chr1:237,595,495-237,595,498, CAGC deleted. VCF-style (leftmost placement, unchanged base first): chr1-237595494-TCAGC-T. GRCh37 (hg19) VCF-style: chr1-237758794-TCAGC-T.
Identifiers: ClinVar variation 2027326 (VCV002027326.4), dbSNP rs2546654373, ClinGen allele CA2580062477.
Genomic context (GRCh38, chr1:237,595,494, plus strand): 5'-GATATACCTGCTTTCTCTTTTATCTGTGGTTGTACAAAGATAAAAATGTTCTTTTGAAAT[TCAGC>T]ATCAAACGCAGCAACTGCTATATGGTATGTGCGGGTGAGAGCATGAGCCCCGGGCAAGGA-3'

ClinVar aggregate classification (germline): Uncertain significance (1 of 4 stars; one submission).

Conditions:
Catecholaminergic polymorphic ventricular tachycardia 1. Also called: VENTRICULAR TACHYCARDIA, CATECHOLAMINERGIC POLYMORPHIC, 1, WITH OR WITHOUT ATRIAL DYSFUNCTION AND/OR DILATED CARDIOMYOPATHY; RYR2-Related Catecholaminergic Polymorphic Ventricular Tachycardia; VENTRICULAR TACHYCARDIA, STRESS-INDUCED POLYMORPHIC 1. Identifiers: Orphanet 3286, MedGen C1631597, MONDO:0011484, OMIM 604772.

Submission:

Labcorp Genetics (formerly Invitae), Labcorp
Classification: Uncertain significance for Catecholaminergic polymorphic ventricular tachycardia 1. Last evaluated: 2025-02-05. Review status: criteria provided, single submitter. Criteria: Invitae Variant Classification Sherloc (09022015). Collection method: clinical testing. Allele origin: germline.
Comment: This variant results in the deletion of part of exon 34 (c.4437-3_4437del) of the RYR2 gene. It is expected to disrupt RNA splicing. Variants that disrupt the donor or acceptor splice site typically lead to a loss of protein function (PMID: 16199547), however the current clinical and genetic evidence is not sufficient to establish whether loss-of-function variants in RYR2 cause disease. This variant is not present in population databases (gnomAD no frequency). This variant has not been reported in the literature in individuals affected with RYR2-related conditions. ClinVar contains an entry for this variant (Variation ID: 2027326). Algorithms developed to predict the effect of sequence changes on RNA splicing suggest that this variant may disrupt the consensus splice site. In summary, the available evidence is currently insufficient to determine the role of this variant in disease. Therefore, it has been classified as a Variant of Uncertain Significance.

Literature cited by the submitters: PubMed 16199547.